The following is an entry in ClinVar:

ClinVar aggregate classification (germline): Uncertain significance. Review status: criteria provided, multiple submitters, no conflicts (2 of 4 stars). 3 submissions from 3 submitters: Uncertain significance (3). Last evaluated 2023-09-20.

Conditions:
Alstrom syndrome (ALMS). Identifiers: Orphanet 64, MedGen C0268425, MONDO:0008763, OMIM 203800.

Allele frequency attached by ClinVar (database versions not stated): gnomAD exomes below 0.00001; gnomAD 0.00001; TOPMed 0.00001.
gnomAD v4.1: 6 of 1,613,868 alleles (0.00037%); highest among the groups gnomAD compares: Non-Finnish European, 0.00051%; no homozygotes.

Submissions (3):

Blueprint Genetics
Classification: Uncertain significance. Last evaluated: 2023-09-20. Review status: criteria provided, single submitter. Criteria: ACMG Guidelines, 2015. Collection method: clinical testing. Allele origin: germline.

Labcorp Genetics (formerly Invitae), Labcorp
Classification: Uncertain significance for Alstrom syndrome. Last evaluated: 2021-07-21. Review status: criteria provided, single submitter. Criteria: Invitae Variant Classification Sherloc (09022015). Collection method: clinical testing. Allele origin: germline.
Comment: This sequence change replaces lysine with asparagine at codon 2038 of the ALMS1 protein (p.Lys2038Asn). The lysine residue is moderately conserved and there is a moderate physicochemical difference between lysine and asparagine. This variant is not present in population databases (ExAC no frequency). This variant has not been reported in the literature in individuals affected with ALMS1-related conditions. Experimental studies and prediction algorithms are not available or were not evaluated, and the functional significance of this variant is currently unknown. In summary, the available evidence is currently insufficient to determine the role of this variant in disease. Therefore, it has been classified as a Variant of Uncertain Significance.

Clinical Genomics Laboratory, Stanford Medicine
Classification: Uncertain significance for Alstrom syndrome. Last evaluated: 2021-04-09. Review status: criteria provided, single submitter. Criteria: ACMG Guidelines, 2015. Collection method: clinical testing. Allele origin: germline. Affected: yes. Observed: 1 heterozygote.
Comment: The p.Lys2038Asn (also referred to as p.Lys2036Asn) variant has not been previously reported in association with disease. This variant was absent from large population databases, including the Genome Aggregation Database. Previously reported disease-causing variants in ALMS1 have been primarily truncating variants, whereas this variant results in a single amino acid substitution. The significance of this type of variation in the ALMS1 gene is currently unclear. Computational tools predict that this variant does not impact protein function; however, the accuracy of in silico algorithms is limited. In summary, the available evidence is currently insufficient to determine the role of this variant in disease. Therefore, it has been classified as a Variant of Uncertain Significance. [ACMG evidence codes used: PM2; BP4]

NM_001378454.1(ALMS1):c.6111G>T (p.Lys2037Asn)

Gene: ALMS1 (ALMS1 centrosome and basal body associated protein; plus strand). Cytogenetic location: 2p13.1.
Variant type: single nucleotide variant.
Coding change: c.6111G>T on transcript NM_001378454.1 (MANE Select); coding-DNA position 6111, G replaced by T.
Protein change: p.Lys2037Asn; replaces lysine 2037 with asparagine.
Molecular consequence: missense variant.
Genome position (GRCh38, 1-based): chr2:73,452,638, G>T. VCF-style: chr2-73452638-G-T. GRCh37 (hg19) VCF-style: chr2-73679765-G-T.
Other names: p.Lys2038Asn; c.6114G>T, p.Lys2038Asn (NM_015120.4); short protein forms K2037N, K2038N.
Identifiers: ClinVar variation 2154842 (VCV002154842.3), dbSNP rs1468925593, ClinGen allele CA347284939.